The following is an entry in ClinVar:

NM_001032283.3(TMPO):c.565+1128G>T

Gene: TMPO (thymopoietin; plus strand). Cytogenetic location: 12q23.1.
Variant type: single nucleotide variant.
Coding change: c.565+1128G>T on transcript NM_001032283.3 (MANE Select); 1128 bases into the intron after coding-DNA position 565, G replaced by T.
Molecular consequence: intron variant. On other transcripts: nonsense (1).
Genome position (GRCh38, 1-based): chr12:98,532,966, G>T. VCF-style: chr12-98532966-G-T. GRCh37 (hg19) VCF-style: chr12-98926744-G-T.
Other names: c.709G>T, p.Glu237Ter (NM_003276.2); c.565+1128G>T (NM_001307975.2, NM_001032284.3); short protein forms E237*.
Identifiers: ClinVar variation 2853228 (VCV002853228.3), dbSNP rs770791830, ClinGen allele CA386151641.

ClinVar aggregate classification (germline): Uncertain significance (1 of 4 stars; one submission).

Conditions:
Loeys-Dietz syndrome 2 (LDS2). Also called: TGFBR2-Related Loeys-Dietz Syndrome; Marfan syndrome, type 2 (formerly); AORTIC ANEURYSM, FAMILIAL THORACIC 3; MARFAN SYNDROME, TYPE II; Marfan Syndrome type 2; Marfan like connective tissue disorder. Identifiers: Orphanet 284973, Orphanet 558, MedGen C2674574, MONDO:0012427, OMIM 610168.

Submission:

Labcorp Genetics (formerly Invitae), Labcorp
Classification: Uncertain significance for Loeys-Dietz syndrome 2. Last evaluated: 2024-02-06. Review status: criteria provided, single submitter. Criteria: Invitae Variant Classification Sherloc (09022015). Collection method: clinical testing. Allele origin: germline.
Comment: This sequence change creates a premature translational stop signal (p.Glu237*) in the TMPO gene. While this is not anticipated to result in nonsense mediated decay, it is expected to disrupt the last 458 amino acid(s) of the TMPO protein. This variant is not present in population databases (gnomAD no frequency). This variant has not been reported in the literature in individuals affected with TMPO-related conditions. Experimental studies and prediction algorithms are not available or were not evaluated, and the functional significance of this variant is currently unknown. In summary, the available evidence is currently insufficient to determine the role of this variant in disease. Therefore, it has been classified as a Variant of Uncertain Significance.